The following is an entry in ClinVar:

ClinVar aggregate classification (germline): Uncertain significance (1 of 4 stars; one submission).

Submission:

Labcorp Genetics (formerly Invitae), Labcorp
Classification: Uncertain significance. Last evaluated: 2023-12-10. Review status: criteria provided, single submitter. Criteria: Invitae Variant Classification Sherloc (09022015). Collection method: clinical testing. Allele origin: germline.
Comment: This sequence change affects codon 460 of the POLE mRNA. It is a 'silent' change, meaning that it does not change the encoded amino acid sequence of the POLE protein. This variant is not present in population databases (gnomAD no frequency). This variant has not been reported in the literature in individuals affected with POLE-related conditions. Algorithms developed to predict the effect of sequence changes on RNA splicing suggest that this variant may disrupt the consensus splice site. In summary, the available evidence is currently insufficient to determine the role of this variant in disease. Therefore, it has been classified as a Variant of Uncertain Significance.

NM_006231.4(POLE):c.1380G>T (p.Val460=)

Gene: POLE (DNA polymerase epsilon, catalytic subunit; minus strand). Cytogenetic location: 12q24.33.
Variant type: single nucleotide variant.
Coding change: c.1380G>T on transcript NM_006231.4 (MANE Select); coding-DNA position 1380, G replaced by T.
Protein change: p.Val460=; no amino-acid change (valine 460 retained).
Molecular consequence: synonymous variant.
Genome position (GRCh38, 1-based): chr12:132,673,257, C>A on the plus strand (G>T on the coding strand, the complement: POLE is on the minus strand). VCF-style: chr12-132673257-C-A. GRCh37 (hg19) VCF-style: chr12-133249843-C-A.
Identifiers: ClinVar variation 2702001 (VCV002702001.3), dbSNP rs2135996843, ClinGen allele CA482722706.